The following is an entry in ClinVar:

NM_007289.4(MME):c.476A>G (p.Lys159Arg)

Gene: MME (membrane metalloendopeptidase; plus strand). Cytogenetic location: 3q25.2.
Variant type: single nucleotide variant.
Coding change: c.476A>G on transcript NM_007289.4 (MANE Select); coding-DNA position 476, A replaced by G.
Protein change: p.Lys159Arg; replaces lysine 159 with arginine.
Molecular consequence: missense variant.
Genome position (GRCh38, 1-based): chr3:155,116,700, A>G. VCF-style: chr3-155116700-A-G. GRCh37 (hg19) VCF-style: chr3-154834489-A-G.
Other names: c.476A>G (NM_007289.2); c.476A>G, p.Lys159Arg (NM_000902.5, NM_001354642.2, NM_001354643.1 and 2 more transcripts); short protein forms K159R.
Identifiers: ClinVar variation 1393308 (VCV001393308.6), dbSNP rs144486590, ClinGen allele CA2675178.
Genomic context (GRCh38, chr3:155,116,700, plus strand): 5'-ATTTATGTTTGTTGTTTCCAAAAGCTGCTATTGATAGCAGAGGTGGAGAACCTCTACTCA[A>G]ACTGTTACCAGACATATATGGGTGGCCAGTAGCAACAGAAAACTGGGAGCAAAAATATGG-3'
Protein context (NP_009220.2, residues 149-169): IDSRGGEPLL[Lys159Arg]LLPDIYGWPV

ClinVar aggregate classification (germline): Uncertain significance. Review status: criteria provided, multiple submitters, no conflicts (2 of 4 stars). 3 submissions from 3 submitters: Uncertain significance (3). Last evaluated 2024-10-17.

Conditions:
Inborn genetic diseases. Identifiers: MedGen C0950123, MeSH D030342.

Allele frequency attached by ClinVar (database versions not stated): gnomAD 0.00006 and 0.00005; ExAC 0.00006; TOPMed 0.00008; 1000 Genomes Project 30x 0.00016; gnomAD exomes 0.00006; ESP Exome Variant Server 0.00008; 1000 Genomes Project 0.00020.
gnomAD v4.1: 21 of 1,613,456 alleles (0.0013%); highest among the groups gnomAD compares: African/African-American, 0.023%; no homozygotes.

Submissions (3):

Ambry Genetics
Classification: Uncertain significance for Inborn genetic diseases. Last evaluated: 2024-10-17. Review status: criteria provided, single submitter. Criteria: Ambry Variant Classification Scheme 2023. Collection method: clinical testing. Allele origin: germline.

Labcorp Genetics (formerly Invitae), Labcorp
Classification: Uncertain significance. Last evaluated: 2022-07-13. Review status: criteria provided, single submitter. Criteria: Invitae Variant Classification Sherloc (09022015). Collection method: clinical testing. Allele origin: germline.
Comment: This sequence change replaces lysine, which is basic and polar, with arginine, which is basic and polar, at codon 159 of the MME protein (p.Lys159Arg). This variant is present in population databases (rs144486590, gnomAD 0.09%). This variant has not been reported in the literature in individuals affected with MME-related conditions. ClinVar contains an entry for this variant (Variation ID: 1393308). Algorithms developed to predict the effect of missense changes on protein structure and function output the following: SIFT: "Tolerated"; PolyPhen-2: "Benign"; Align-GVGD: "Class C0". The arginine amino acid residue is found in multiple mammalian species, which suggests that this missense change does not adversely affect protein function. In summary, the available evidence is currently insufficient to determine the role of this variant in disease. Therefore, it has been classified as a Variant of Uncertain Significance.

ARUP Laboratories, Molecular Genetics and Genomics, ARUP Laboratories
Classification: Uncertain significance. Review status: criteria provided, single submitter. Criteria: ARUP Molecular Germline Variant Investigation Process 2024. Collection method: clinical testing. Allele origin: germline.